The following is an entry in ClinVar:

NC_000022.11:g.40345622_40345627del

Gene: ADSL (adenylosuccinate lyase; plus strand). Cytogenetic location: 22q13.1.
Variant type: Deletion.
Genome position: GRCh38 VCF-style: chr22-40345620-ATTTATT-A. GRCh37 (hg19) VCF-style: chr22-40741624-ATTTATT-A.
Identifiers: ClinVar variation 2714227 (VCV002714227.3), dbSNP rs2518074084, ClinGen allele CA2697552772.

ClinVar aggregate classification (germline): Uncertain significance (1 of 4 stars; one submission).

Conditions:
Adenylosuccinate lyase deficiency (ADSLD). Also called: ADSL DEFICIENCY. Identifiers: Orphanet 46, MedGen C0268126, MONDO:0007068, OMIM 103050.

Submission:

Labcorp Genetics (formerly Invitae), Labcorp
Classification: Uncertain significance for Adenylosuccinate lyase deficiency. Last evaluated: 2024-01-30. Review status: criteria provided, single submitter. Criteria: Invitae Variant Classification Sherloc (09022015). Collection method: clinical testing. Allele origin: germline.
Comment: This variant occurs in a non-coding region of the ADSL gene. It does not change the encoded amino acid sequence of the ADSL protein. This variant is not present in population databases (gnomAD no frequency). This variant has not been reported in the literature in individuals affected with ADSL-related conditions. Experimental studies and prediction algorithms are not available or were not evaluated, and the functional significance of this variant is currently unknown. In summary, the available evidence is currently insufficient to determine the role of this variant in disease. Therefore, it has been classified as a Variant of Uncertain Significance.